The following is an entry in ClinVar:

NM_032776.3(JMJD1C):c.2341C>T (p.Pro781Ser)

Gene: JMJD1C (jumonji domain containing 1C; minus strand). Cytogenetic location: 10q21.3.
Variant type: single nucleotide variant.
Coding change: c.2341C>T on transcript NM_032776.3 (MANE Select); coding-DNA position 2341, C replaced by T.
Protein change: p.Pro781Ser; replaces proline 781 with serine.
Molecular consequence: missense variant. On other transcripts: non-coding transcript variant (1).
Genome position (GRCh38, 1-based): chr10:63,213,826, G>A on the plus strand (C>T on the coding strand, the complement: JMJD1C is on the minus strand). VCF-style: chr10-63213826-G-A. GRCh37 (hg19) VCF-style: chr10-64973586-G-A.
Other names: c.1795C>T, p.Pro599Ser (NM_001282948.2, NM_001318154.2); c.1477C>T, p.Pro493Ser (NM_001318153.2); c.2227C>T, p.Pro743Ser (NM_001322252.2); c.1684C>T, p.Pro562Ser (NM_001322254.2, NM_001322258.2); short protein forms P493S, P743S, P562S, P781S, P599S.
Identifiers: ClinVar variation 2046446 (VCV002046446.5), dbSNP rs1847651732, ClinGen allele CA377045313.

ClinVar aggregate classification (germline): Uncertain significance. Review status: criteria provided, multiple submitters, no conflicts (2 of 4 stars). 2 submissions from 2 submitters: Uncertain significance (2). Last evaluated 2023-05-22.

Conditions:
Early Myoclonic Encephalopathy. Identifiers: MedGen C0270855.

Allele frequency attached by ClinVar (database versions not stated): gnomAD exomes below 0.00001.
gnomAD v4.1: 5 of 1,613,998 alleles (0.00031%); highest among the groups gnomAD compares: Middle Eastern, 0.016%; no homozygotes.

Submissions (2):

Clinical Genetics Laboratory, Skane University Hospital Lund
Classification: Uncertain significance. Last evaluated: 2023-05-22. Review status: criteria provided, single submitter. Criteria: ACMG Guidelines, 2015. Collection method: clinical testing. Allele origin: germline. Affected: yes.

Labcorp Genetics (formerly Invitae), Labcorp
Classification: Uncertain significance for Early Myoclonic Encephalopathy. Last evaluated: 2022-10-14. Review status: criteria provided, single submitter. Criteria: Invitae Variant Classification Sherloc (09022015). Collection method: clinical testing. Allele origin: germline.
Comment: This sequence change replaces proline, which is neutral and non-polar, with serine, which is neutral and polar, at codon 781 of the JMJD1C protein (p.Pro781Ser). This variant is not present in population databases (gnomAD no frequency). This variant has not been reported in the literature in individuals affected with JMJD1C-related conditions. Algorithms developed to predict the effect of missense changes on protein structure and function are either unavailable or do not agree on the potential impact of this missense change (SIFT: "Deleterious"; PolyPhen-2: "Benign"; Align-GVGD: "Class C0"). In summary, the available evidence is currently insufficient to determine the role of this variant in disease. Therefore, it has been classified as a Variant of Uncertain Significance.